The following is an entry in ClinVar:

ClinVar aggregate classification (germline): Uncertain significance (1 of 4 stars; one submission).

Allele frequency attached by ClinVar (database versions not stated): gnomAD exomes below 0.00001; TOPMed below 0.00001.
gnomAD v4.1: 6 of 1,614,060 alleles (0.00037%); highest among the groups gnomAD compares: African/African-American, 0.0067%; no homozygotes.

Submission:

Labcorp Genetics (formerly Invitae), Labcorp
Classification: Uncertain significance. Last evaluated: 2025-02-03. Review status: criteria provided, single submitter. Criteria: Invitae Variant Classification Sherloc (09022015). Collection method: clinical testing. Allele origin: germline.
Comment: This sequence change falls in intron 17 of the SNRNP200 gene. It does not directly change the encoded amino acid sequence of the SNRNP200 protein. It affects a nucleotide within the consensus splice site. This variant is not present in population databases (gnomAD no frequency). This variant has not been reported in the literature in individuals affected with SNRNP200-related conditions. ClinVar contains an entry for this variant (Variation ID: 1357966). Variants that disrupt the consensus splice site are a relatively common cause of aberrant splicing (PMID: 17576681, 9536098). Algorithms developed to predict the effect of sequence changes on RNA splicing suggest that this variant is not likely to affect RNA splicing. In summary, the available evidence is currently insufficient to determine the role of this variant in disease. Therefore, it has been classified as a Variant of Uncertain Significance.

Literature cited by the submitters: PubMed 17576681; PubMed 9536098.

NM_014014.5(SNRNP200):c.2310+5G>C

Gene: SNRNP200 (small nuclear ribonucleoprotein U5 subunit 200; minus strand). Cytogenetic location: 2q11.2.
Variant type: single nucleotide variant.
Coding change: c.2310+5G>C on transcript NM_014014.5 (MANE Select); 5 bases into the intron after coding-DNA position 2310, G replaced by C.
Molecular consequence: intron variant.
Genome position (GRCh38, 1-based): chr2:96,291,746, C>G on the plus strand (G>C on the coding strand, the complement: SNRNP200 is on the minus strand). VCF-style: chr2-96291746-C-G. GRCh37 (hg19) VCF-style: chr2-96957484-C-G.
Identifiers: ClinVar variation 1357966 (VCV001357966.6), dbSNP rs2063885552, ClinGen allele CA1272542953.